The following is an entry in ClinVar:

ClinVar aggregate classification (germline): Pathogenic (1 of 4 stars; one submission).

Conditions:
Sandhoff disease. Also called: GM2-GANGLIOSIDOSIS, TYPE II; HEXOSAMINIDASES A AND B DEFICIENCY; Beta-hexosaminidase-beta-subunit deficiency; GM2 gangliosidosis, type 2; Total hexosaminidase deficiency; Sandhoff-Jatzkewitz-Pilz disease. Identifiers: Orphanet 796, MedGen C0036161, MONDO:0010006, OMIM 268800.

Submission:

Broad Center for Mendelian Genomics, Broad Institute of MIT and Harvard
Classification: Pathogenic for Sandhoff disease. Last evaluated: 2023-08-24. Review status: criteria provided, single submitter. Criteria: ACMG/ClinGen CNV Guidelines, 2019. Collection method: research. Allele origin: unknown. Inheritance: Autosomal recessive inheritance. Affected: yes.
Comment: Inheritance information is unavailable. The patient phenotype is nonspecific, but is consistent with cases described in the literature and/or published databases with overlapping variants. This exon deletion has also been reported in the literature, in the compound heterozygous state, in one individual with Sandhoff disease (PMID: 28476546; Variation ID: 644276). This intragenic variant is predicted to cause a frameshift, which alters the protein’s amino acid sequence beginning at exon 4 and leads to a premature termination codon. This alteration is then predicted to lead to a truncated or absent protein. Loss of function of HEXB is an established disease mechanism in autosomal recessive Sandhoff disease. A slightly larger overlapping deletion has been identified in 0.03% (2/7624) of European chromosomes by the Genome Aggregation Database (gnomAD; Structural variant: DEL_5_59086). Although a deletion overlapping the region of this CNV has been seen in the general population in a heterozygous state, its frequency is not high enough to rule out a pathogenic role. In summary, this variant meets criteria to be classified as pathogenic for autosomal recessive Sandhoff disease. The ACMG/ClinGen evidence codes and points used in this curation are as follows: 1: 0 points, 2: 0.9 points, 3: 0 points, 4-5: 0.23 points; Total: 1.13 points; Riggs 2020 (PMID: 31690835).

Literature cited by the submitters: PubMed 28476546.

GRCh38/hg38 5q13.3(chr5:74695284-74702264)x0

Gene: HEXB (hexosaminidase subunit beta; plus strand). Cytogenetic location: 5q13.3.
Variant type: copy number loss.
Change: copy number 0 (both copies lost) of chr5:74,695,284-74,702,264 (7.0 kb, GRCh38 coordinates, 1-based), cytogenetic band 5q13.3.
Identifiers: ClinVar variation 2579269 (VCV002579269.1).